The following is an entry in ClinVar:

NM_004519.4(KCNQ3):c.*5932A>C

Gene: KCNQ3 (potassium voltage-gated channel subfamily Q member 3; minus strand). Cytogenetic location: 8q24.22.
Variant type: single nucleotide variant.
Coding change: c.*5932A>C on transcript NM_004519.4 (MANE Select); 5932 bases downstream of the stop codon, A replaced by C.
Molecular consequence: 3 prime UTR variant.
Genome position (GRCh38, 1-based): chr8:132,123,330, T>G on the plus strand (A>C on the coding strand, the complement: KCNQ3 is on the minus strand). VCF-style: chr8-132123330-T-G. GRCh37 (hg19) VCF-style: chr8-133135577-T-G.
Other names: c.*5932A>C (NM_001204824.2).
Identifiers: ClinVar variation 361784 (VCV000361784.7), dbSNP rs2436130, ClinGen allele CA10627025.

ClinVar aggregate classification (germline): Benign. Review status: criteria provided, multiple submitters, no conflicts (2 of 4 stars). 2 submissions from 2 submitters: Benign (2). Last evaluated 2018-01-13.

Conditions:
Seizures, benign familial neonatal, 2. Also called: CONVULSIONS, BENIGN FAMILIAL NEONATAL, 2; KCNQ3-Related Self-Limited Familial Neonatal Epilepsy (SLFNE); Benign Neonatal Epilepsy 2; KCNQ3-Related Benign Familial Neonatal Epilepsy; Seizures, benign neonatal, 2. Identifiers: Orphanet 1949, MedGen C1852581, MONDO:0007366, OMIM 121201.

Allele frequency attached by ClinVar (database versions not stated): 1000 Genomes Project 0.13518; 1000 Genomes Project 30x 0.13632; TOPMed 0.19790; gnomAD 0.20676; gnomAD exomes 0.25564.
gnomAD v4.1: 31,472 of 152,358 alleles (21%); highest among the groups gnomAD compares: Middle Eastern, 31%; 3,770 homozygotes.

Submissions (2):

Illumina Laboratory Services, Illumina
Classification: Benign for Seizures, benign familial neonatal, 2. Last evaluated: 2018-01-13. Review status: criteria provided, single submitter. Criteria: ICSL Variant Classification Criteria 13 December 2019. Collection method: clinical testing. Allele origin: germline.
Comment: This variant was observed in the ICSL laboratory as part of a predisposition screen in an ostensibly healthy population. It had not been previously curated by ICSL or reported in the Human Gene Mutation Database (HGMD: prior to June 1st, 2018), and was therefore a candidate for classification through an automated scoring system. Utilizing variant allele frequency, disease prevalence and penetrance estimates, and inheritance mode, an automated score was calculated to assess if this variant is too frequent to cause the disease. Based on the score and internal cut-off values, a variant classified as benign is not then subjected to further curation. The score for this variant resulted in a classification of benign for this disease.

Breakthrough Genomics
Classification: Benign. Review status: criteria provided, single submitter. Criteria: ACMG Guidelines, 2015. Collection method: not provided. Allele origin: germline. Inheritance: Autosomal dominant inheritance. Affected: yes.